The following is an entry in ClinVar:

NM_001369.3(DNAH5):c.2989delinsGTATAAGAG (p.Asn997delinsValTer)

Genes: DNAH5 (dynein axonemal heavy chain 5; minus strand), DNAH5-AS1 (DNAH5 antisense RNA 1; plus strand). Cytogenetic location: 5p15.2.
Variant type: Indel.
Coding change: c.2989delinsGTATAAGAG on transcript NM_001369.3 (MANE Select); coding-DNA position 2989, A replaced by GTATAAGAG.
Protein change: p.Asn997delinsValTer.
Molecular consequence: nonsense.
Genome position (GRCh38, 1-based): chr5:13,883,089, T replaced by CTCTTATAC on the plus strand (A replaced by GTATAAGAG on the coding strand, the reverse complement: DNAH5 is on the minus strand). VCF-style: chr5-13883089-T-CTCTTATAC. GRCh37 (hg19) VCF-style: chr5-13883198-T-CTCTTATAC.
Identifiers: ClinVar variation 5016355 (VCV005016355.1).

ClinVar aggregate classification (germline): Pathogenic (1 of 4 stars; one submission).

Conditions:
Primary ciliary dyskinesia 3. Identifiers: Orphanet 244, MedGen C1837618, MONDO:0012085, OMIM 608644.

Submission:

Myriad Genetics, Inc.
Classification: Pathogenic for Primary ciliary dyskinesia 3. Last evaluated: 2024-05-14. Review status: criteria provided, single submitter. Criteria: Myriad Autosomal Dominant, Autosomal Recessive and X-Linked Classification Criteria (2023). Collection method: clinical testing. Allele origin: unknown.
Comment: NM_001369.2(DNAH5):c.2989del1ins9(N997Vfs*2) is expected to be pathogenic in the context of primary ciliary dyskinesia, DNAH5-related. This variant is predicted to lead to an abnormal or absent protein product due to the creation of a premature termination codon in DNAH5, a gene where loss-of-function variants are known to be pathogenic. Please note: this variant was assessed in the context of healthy population screening.